The following is an entry in ClinVar:

ClinVar aggregate classification (germline): Uncertain significance. Review status: criteria provided, multiple submitters, no conflicts (2 of 4 stars). 2 submissions from 2 submitters: Uncertain significance (2). Last evaluated 2022-12-21.

Conditions:
Inborn genetic diseases. Identifiers: MedGen C0950123, MeSH D030342.

Allele frequency attached by ClinVar (database versions not stated): gnomAD 0.00004; TOPMed 0.00006; gnomAD exomes 0.00010; ExAC 0.00022.
gnomAD v4.1: 147 of 1,613,792 alleles (0.0091%); highest among the groups gnomAD compares: Admixed American, 0.098%; no homozygotes.

Submissions (2):

Ambry Genetics
Classification: Uncertain significance for Inborn genetic diseases. Last evaluated: 2022-12-21. Review status: criteria provided, single submitter. Criteria: Ambry Variant Classification Scheme 2023. Collection method: clinical testing. Allele origin: germline.

GeneDx
Classification: Uncertain significance. Last evaluated: 2022-09-27. Review status: criteria provided, single submitter. Criteria: GeneDx Variant Classification Process June 2021. Collection method: clinical testing. Allele origin: germline. Affected: yes.
Comment: In silico analysis supports that this missense variant does not alter protein structure/function; Has not been previously published as pathogenic or benign to our knowledge

NM_001369268.1(ACAN):c.6487G>A (p.Ala2163Thr)

Gene: ACAN (aggrecan; plus strand). Cytogenetic location: 15q26.1.
Variant type: single nucleotide variant.
Coding change: c.6487G>A on transcript NM_001369268.1 (MANE Select); coding-DNA position 6487, G replaced by A.
Protein change: p.Ala2163Thr; replaces alanine 2163 with threonine.
Molecular consequence: missense variant.
Genome position (GRCh38, 1-based): chr15:88,859,072, G>A. VCF-style: chr15-88859072-G-A. GRCh37 (hg19) VCF-style: chr15-89402303-G-A.
Other names: c.6487G>A, p.Ala2163Thr (NM_001135.4, NM_001411096.1, NM_001411097.1 and 1 more transcripts); short protein forms A2163T.
Identifiers: ClinVar variation 2343438 (VCV002343438.3), dbSNP rs766547434, ClinGen allele CA7720419.
Genomic context (GRCh38, chr15:88,859,072, plus strand): 5'-AGATCCTCTGGCCTAGGAGTGAGCGGCAGCACTTTGACATTTCAAGAAGGCGAGGCGTCC[G>A]CTGCCCCAGAAGTGAGTGGAGAATCCACCACCACCAGTGATGTGGGGACAGAGGCACCAG-3'
Protein context (NP_001356197.1, residues 2153-2173): TLTFQEGEAS[Ala2163Thr]APEVSGESTT